The following is an entry in ClinVar:

NM_002303.6(LEPR):c.233del (p.His78fs)

Gene: LEPR (leptin receptor; plus strand). Cytogenetic location: 1p31.3.
Variant type: Deletion.
Coding change: c.233del on transcript NM_002303.6 (MANE Select); coding-DNA position 233, one base deleted (A; older notation c.233delA).
Protein change: p.His78fs; shifts the reading frame from histidine 78.
Molecular consequence: frameshift variant.
Genome position (GRCh38, 1-based): chr1:65,570,665, A deleted. VCF-style (leftmost placement, unchanged base first): chr1-65570664-CA-C. GRCh37 (hg19) VCF-style: chr1-66036347-CA-C.
Other names: c.233del, p.His78fs (NM_001003679.3, NM_001003680.3, NM_001198687.2 and 2 more transcripts); short protein forms H78fs.
Identifiers: ClinVar variation 3348213 (VCV003348213.1).

ClinVar aggregate classification (germline): Likely pathogenic (0 of 4 stars; one submission).

Conditions:
LEPR-related disorder. Also called: LEPR-related condition; LEPR-related disorders.

Submission:

PreventionGenetics, part of Exact Sciences
Classification: Likely pathogenic for LEPR-related condition. Last evaluated: 2024-03-22. Review status: no assertion criteria provided. Collection method: clinical testing. Allele origin: germline.
Comment: The LEPR c.233delA variant is predicted to result in a frameshift and premature protein termination (p.His78Profs*38). To our knowledge, this variant has not been reported in the literature or in a large population database, indicating this variant is rare. Frameshift variants in LEPR are expected to be pathogenic. This variant is interpreted as likely pathogenic.